The following is an entry in ClinVar:

NM_001379500.1(COL18A1):c.2338C>T (p.Gln780Ter)

Gene: COL18A1 (collagen type XVIII alpha 1 chain; plus strand). Cytogenetic location: 21q22.3.
Variant type: single nucleotide variant.
Coding change: c.2338C>T on transcript NM_001379500.1 (MANE Select); coding-DNA position 2338, C replaced by T.
Protein change: p.Gln780Ter; replaces glutamine 780 with a stop codon.
Molecular consequence: nonsense.
Genome position (GRCh38, 1-based): chr21:45,493,561, C>T. VCF-style: chr21-45493561-C-T. GRCh37 (hg19) VCF-style: chr21-46913475-C-T.
Other names: NM_130445.4:c.2338C>T; c.2878C>T, p.Gln960Ter (NM_030582.4); c.3583C>T, p.Gln1195Ter (NM_130444.3); short protein forms Q960*, Q1195*.
Identifiers: ClinVar variation 191166 (VCV000191166.4), dbSNP rs786205554, ClinGen allele CA236161.

ClinVar aggregate classification (germline): Pathogenic/Likely pathogenic. Review status: criteria provided, multiple submitters, no conflicts (2 of 4 stars). 3 submissions from 3 submitters: Pathogenic (1); Likely pathogenic (2). Last evaluated 2024-06-18.

Allele frequency attached by ClinVar (database versions not stated): gnomAD exomes below 0.00001 and 0.00001.
gnomAD v4.1: 1 of 1,555,136 alleles (0.000064%); highest among the groups gnomAD compares: Non-Finnish European, 0.000087%; no homozygotes.

Submissions (3):

Labcorp Genetics (formerly Invitae), Labcorp
Classification: Pathogenic. Last evaluated: 2024-06-18. Review status: criteria provided, single submitter. Criteria: Invitae Variant Classification Sherloc (09022015). Collection method: clinical testing. Allele origin: germline.
Comment: This sequence change creates a premature translational stop signal (p.Gln780*) in the COL18A1 gene. It is expected to result in an absent or disrupted protein product. Loss-of-function variants in COL18A1 are known to be pathogenic (PMID: 12415512, 25456301). The frequency data for this variant in the population databases is considered unreliable, as metrics indicate poor data quality at this position in the gnomAD database. This variant has not been reported in the literature in individuals affected with COL18A1-related conditions. ClinVar contains an entry for this variant (Variation ID: 191166). For these reasons, this variant has been classified as Pathogenic.

Revvity Omics, Revvity
Classification: Likely pathogenic. Last evaluated: 2023-06-22. Review status: criteria provided, single submitter. Criteria: ACMG Guidelines, 2015. Collection method: clinical testing. Allele origin: germline.

Genomic Medicine Center of Excellence, King Faisal Specialist Hospital and Research Centre
Classification: Likely pathogenic. Review status: criteria provided, single submitter. Criteria: ACMG Guidelines, 2015. Collection method: research. Allele origin: germline. Affected: yes.

Literature cited by the submitters: PubMed 12415512 (cited by Labcorp Genetics (formerly Invitae), Labcorp); PubMed 25456301 (cited by Labcorp Genetics (formerly Invitae), Labcorp).